The following is an entry in ClinVar:

NM_001085458.2(CTNND1):c.2011CTT[1] (p.Leu672del)

Genes: CTNND1 (catenin delta 1; plus strand), TMX2-CTNND1 (TMX2-CTNND1 readthrough (NMD candidate); plus strand). Cytogenetic location: 11q12.1.
Variant type: Microsatellite.
Coding change: c.2011CTT[1] on transcript NM_001085458.2 (MANE Select); one copy of the 3-base unit CTT starting at c.2011; the reference has two copies in a row; one copy, 3 bases deleted.
Protein change: p.Leu672del; deletes leucine 672.
Molecular consequence: non-coding transcript variant (on NR_037646.1).
Genome position (GRCh38, 1-based): chr11:57,808,215-57,808,217, CTT deleted; deleting any 3 consecutive bases within chr11:57,808,212-57,808,217 gives the same sequence; the position shown is the placement nearest the transcript's 3' end. VCF-style (leftmost placement, unchanged base first): chr11-57808211-ACTT-A. GRCh37 (hg19) VCF-style: chr11-57575683-ACTT-A.
Other names: c.1993CTT[1], p.Leu666del (NM_001085459.2, NM_001085460.2, NM_001085461.2 and 2 more transcripts); c.1708CTT[1], p.Leu571del (NM_001085463.2, NM_001085466.2); c.1690CTT[1], p.Leu565del (NM_001085464.2, NM_001085465.2, NM_001085467.2 and 3 more transcripts); c.1849CTT[1], p.Leu618del (NM_001206883.2, NM_001206884.2); c.2011CTT[1], p.Leu672del (NM_001206885.2); c.1831CTT[1], p.Leu612del (NM_001206886.2, NM_001206887.2, NM_001206888.2 and 2 more transcripts); short protein forms L565del, L571del, L612del, L618del, L666del, L672del.
Identifiers: ClinVar variation 3391590 (VCV003391590.1).
Genomic context (GRCh38, chr11:57,808,211, plus strand): 5'-TCTCTTTTGTGCAGGCTATGAGCTCTTATTTCAGCCAGAGGTGGTTCGGATATACATCTC[ACTT>A]CTTAAGGAGAGCAAGACTCCTGCCATCCTAGAAGCCTCAGCTGGAGCTATCCAGAACTTG-3'

ClinVar aggregate classification (germline): Uncertain significance (1 of 4 stars; one submission).

Submission:

GeneDx
Classification: Uncertain significance. Last evaluated: 2024-06-20. Review status: criteria provided, single submitter. Criteria: GeneDx Variant Classification Process June 2021. Collection method: clinical testing. Allele origin: germline. Affected: yes.
Comment: Not observed at significant frequency in large population cohorts (gnomAD); In-frame deletion of 1 amino acid in a non-repeat region; In silico analysis supports a deleterious effect on protein structure/function; Has not been previously published as pathogenic or benign to our knowledge